The following is an entry in ClinVar:

NM_001244008.2(KIF1A):c.196A>C (p.Asn66His)

Gene: KIF1A (kinesin family member 1A; minus strand). Cytogenetic location: 2q37.3.
Variant type: single nucleotide variant.
Coding change: c.196A>C on transcript NM_001244008.2 (MANE Select); coding-DNA position 196, A replaced by C.
Protein change: p.Asn66His; replaces asparagine 66 with histidine.
Molecular consequence: missense variant.
Genome position (GRCh38, 1-based): chr2:240,788,218, T>G on the plus strand (A>C on the coding strand, the complement: KIF1A is on the minus strand). VCF-style: chr2-240788218-T-G. GRCh37 (hg19) VCF-style: chr2-241727635-T-G.
Other names: c.196A>C, p.Asn66His (NM_001379648.1, NM_001379649.1, NM_001379650.1 and 20 more transcripts); short protein forms N66H.
Identifiers: ClinVar variation 4882057 (VCV004882057.2).

ClinVar aggregate classification (germline): Uncertain significance (1 of 4 stars; one submission).

Submission:

Dasa
Classification: Uncertain significance. Last evaluated: 2026-01-28. Review status: criteria provided, single submitter. Criteria: DASA Assertion Criteria. Collection method: clinical testing. Allele origin: germline.
Comment: NM_001244008.2(KIF1A):c.196A>C (p.Asn66His) is a missense variant that results in the substitution of asparagine with histidine. The affected residue or protein region has prior evidence supporting clinical relevance. This variant is absent from population databases. The currently available literature and clinical evidence are not sufficient to establish a definitive association between this variant and the reported condition. Therefore, this variant is classified as a variant of uncertain significance.